The following is an entry in ClinVar:

ClinVar aggregate classification (germline): Pathogenic (1 of 4 stars; one submission).

Conditions:
Combined oxidative phosphorylation defect type 14. Also called: Combined oxidative phosphorylation deficiency 14. Identifiers: Orphanet 319519, MedGen C4755312, MONDO:0013986, OMIM 614946.

Submission:

Labcorp Genetics (formerly Invitae), Labcorp
Classification: Pathogenic for Combined oxidative phosphorylation defect type 14. Last evaluated: 2021-12-08. Review status: criteria provided, single submitter. Criteria: Invitae Variant Classification Sherloc (09022015). Collection method: clinical testing. Allele origin: germline.
Comment: This sequence change creates a premature translational stop signal (p.Val293*) in the FARS2 gene. It is expected to result in an absent or disrupted protein product. Loss-of-function variants in FARS2 are known to be pathogenic (PMID: 22833457). This variant has not been reported in the literature in individuals affected with FARS2-related conditions. This variant is not present in population databases (gnomAD no frequency). For these reasons, this variant has been classified as Pathogenic. Algorithms developed to predict the effect of sequence changes on RNA splicing suggest that this variant may create or strengthen a splice site.

Literature cited by the submitters: PubMed 22833457.

NM_006567.5(FARS2):c.877del (p.Gly292_Val293insTer)

Gene: FARS2 (phenylalanyl-tRNA synthetase 2, mitochondrial; plus strand). Cytogenetic location: 6p25.1.
Variant type: Deletion.
Coding change: c.877del on transcript NM_006567.5 (MANE Select); coding-DNA position 877, one base deleted (G; older notation c.877delG).
Protein change: p.Gly292_Val293insTer.
Molecular consequence: nonsense. On other transcripts: intron variant (1).
Genome position (GRCh38, 1-based): chr6:5,431,145, G deleted; the last of 4 consecutive G bases (chr6:5,431,142-5,431,145); deleting any one gives the same sequence. VCF-style (leftmost placement, unchanged base first): chr6-5431141-CG-C. GRCh37 (hg19) VCF-style: chr6-5431374-CG-C.
Other names: c.877del, p.Gly292_Val293insTer (NM_001318872.2, NM_001374875.1, NM_001374876.1 and 4 more transcripts); c.181del, p.Gly60_Val61insTer (NM_001375259.1, NM_001375260.1); c.772+26444del (NM_001375258.1).
Identifiers: ClinVar variation 1455928 (VCV001455928.6), dbSNP rs2127767975, ClinGen allele CA2573140906.